The following is an entry in ClinVar:

ClinVar aggregate classification (germline): Uncertain significance. Review status: criteria provided, multiple submitters, no conflicts (2 of 4 stars). 2 submissions from 2 submitters: Uncertain significance (2). Last evaluated 2024-04-09.

Conditions:
Inborn genetic diseases. Identifiers: MedGen C0950123, MeSH D030342.

Allele frequency attached by ClinVar (database versions not stated): TOPMed below 0.00001; ExAC 0.00001; gnomAD 0.00001; gnomAD exomes 0.00002.
gnomAD v4.1: 27 of 1,608,798 alleles (0.0017%); highest among the groups gnomAD compares: Admixed American, 0.0017%; no homozygotes.

Submissions (2):

Ambry Genetics
Classification: Uncertain significance for Inborn genetic diseases. Last evaluated: 2024-04-09. Review status: criteria provided, single submitter. Criteria: Ambry Variant Classification Scheme 2023. Collection method: clinical testing. Allele origin: germline.

Labcorp Genetics (formerly Invitae), Labcorp
Classification: Uncertain significance. Last evaluated: 2022-10-16. Review status: criteria provided, single submitter. Criteria: Invitae Variant Classification Sherloc (09022015). Collection method: clinical testing. Allele origin: germline.
Comment: This sequence change replaces arginine, which is basic and polar, with tryptophan, which is neutral and slightly polar, at codon 1073 of the LAMC3 protein (p.Arg1073Trp). This variant is present in population databases (rs757119752, gnomAD 0.01%). This variant has not been reported in the literature in individuals affected with LAMC3-related conditions. Algorithms developed to predict the effect of missense changes on protein structure and function output the following: SIFT: "Deleterious"; PolyPhen-2: "Benign"; Align-GVGD: "Class C0". The tryptophan amino acid residue is found in multiple mammalian species, which suggests that this missense change does not adversely affect protein function. In summary, the available evidence is currently insufficient to determine the role of this variant in disease. Therefore, it has been classified as a Variant of Uncertain Significance.

NM_006059.4(LAMC3):c.3217C>T (p.Arg1073Trp)

Gene: LAMC3 (laminin subunit gamma 3; plus strand). Cytogenetic location: 9q34.12.
Variant type: single nucleotide variant.
Coding change: c.3217C>T on transcript NM_006059.4 (MANE Select); coding-DNA position 3217, C replaced by T.
Protein change: p.Arg1073Trp; replaces arginine 1073 with tryptophan.
Molecular consequence: missense variant.
Genome position (GRCh38, 1-based): chr9:131,072,635, C>T. VCF-style: chr9-131072635-C-T. GRCh37 (hg19) VCF-style: chr9-133948022-C-T.
Other names: c.3217C>T (NM_006059.3); short protein forms R1073W.
Identifiers: ClinVar variation 1913182 (VCV001913182.3), dbSNP rs757119752, ClinGen allele CA5287726.